The following is an entry in ClinVar:

ClinVar aggregate classification (germline): Benign/Likely benign. Review status: criteria provided, multiple submitters, no conflicts (2 of 4 stars). 4 submissions from 4 submitters: Benign (1); Likely benign (2). 1 of the submissions does not count toward it. Last evaluated 2025-06-02.

Conditions:
MET-related disorder. Also called: MET-related condition.
Hereditary cancer-predisposing syndrome. Also called: Neoplastic Syndromes, Hereditary; Hereditary neoplastic syndrome; Tumor predisposition; Hereditary Cancer Syndrome. Identifiers: Orphanet 140162, MedGen C0027672, MeSH D009386, MONDO:0015356.
Papillary renal cell carcinoma type 1 (RCCP1). Also called: RENAL CELL CARCINOMA, PAPILLARY, 1, SOMATIC; Renal adenocarcinoma; Renal cell carcinoma 1; Renal cell carcinoma, somatic. Identifiers: Orphanet 47044, MedGen C1336839, OMIM 605074, HP:0011797.
Renal cell carcinoma. Identifiers: Orphanet 217071, MedGen C0007134, MeSH D002292, MONDO:0005086, HP:0005584.

Allele frequency attached by ClinVar (database versions not stated): gnomAD exomes below 0.00001.
gnomAD v4.1: 1 of 1,613,930 alleles (0.000062%); highest among the groups gnomAD compares: African/African-American, 0.0013%; no homozygotes.

Submissions (4):

Labcorp Genetics (formerly Invitae), Labcorp
Classification: Likely benign for Renal cell carcinoma. Last evaluated: 2025-06-02. Review status: criteria provided, single submitter. Criteria: Invitae Variant Classification Sherloc (09022015). Collection method: clinical testing. Allele origin: germline.

Myriad Genetics, Inc.
Classification: Benign for Papillary renal cell carcinoma type 1. Last evaluated: 2024-11-14. Review status: criteria provided, single submitter. Criteria: Myriad Autosomal Dominant, Autosomal Recessive and X-Linked Classification Criteria (2023). Collection method: clinical testing. Allele origin: unknown.
Comment: This variant is considered benign. This variant is a silent/synonymous amino acid change and it is not expected to impact splicing.

Ambry Genetics
Classification: Likely benign for Hereditary cancer-predisposing syndrome. Last evaluated: 2015-10-12. Review status: criteria provided, single submitter. Criteria: Ambry Variant Classification Scheme 2023. Collection method: clinical testing. Allele origin: germline.

PreventionGenetics, part of Exact Sciences
Classification: Likely benign for MET-related condition. Last evaluated: 2023-03-15. Review status: no assertion criteria provided. Collection method: clinical testing. Allele origin: germline. Not counted in ClinVar's aggregate classification.
Comment: This variant is classified as likely benign based on ACMG/AMP sequence variant interpretation guidelines (Richards et al. 2015 PMID: 25741868, with internal and published modifications).

NM_000245.4(MET):c.3807T>C (p.Phe1269=)

Gene: MET (MET proto-oncogene, receptor tyrosine kinase; plus strand). Cytogenetic location: 7q31.2.
Variant type: single nucleotide variant.
Coding change: c.3807T>C on transcript NM_000245.4 (MANE Select); coding-DNA position 3807, T replaced by C.
Protein change: p.Phe1269=; no amino-acid change (phenylalanine 1269 retained).
Molecular consequence: synonymous variant.
Genome position (GRCh38, 1-based): chr7:116,795,663, T>C. VCF-style: chr7-116795663-T-C. GRCh37 (hg19) VCF-style: chr7-116435717-T-C.
Other names: c.3861T>C (NM_001127500.2, LRG_662t1); c.3861T>C, p.Phe1287= (NM_001127500.3); c.2517T>C, p.Phe839= (NM_001324402.2).
Identifiers: ClinVar variation 524905 (VCV000524905.18), dbSNP rs1554402156, ClinGen allele CA457462237.